The following is an entry in ClinVar:

ClinVar aggregate classification (germline): Conflicting classifications of pathogenicity. Review status: criteria provided, conflicting classifications (1 of 4 stars). 5 submissions from 5 submitters: Uncertain significance (3); Likely benign (2). Last evaluated 2026-02-03.

Conditions:
Autosomal recessive limb-girdle muscular dystrophy type 2J (LGMDR10). Also called: Limb-girdle muscular dystrophy, type 2J; MUSCULAR DYSTROPHY, LIMB-GIRDLE, AUTOSOMAL RECESSIVE 10. Identifiers: Orphanet 140922, MedGen C1837342, MONDO:0012127, OMIM 608807.
Dilated cardiomyopathy 1G (CMD1G). Identifiers: Orphanet 154, MedGen C1858763, MONDO:0011400, OMIM 604145.
TTN-related disorder. Also called: TTN-related condition; TTN-related disease; TTN-related disorders.
Hypertrophic cardiomyopathy 9. Also called: Familial hypertrophic cardiomyopathy 9. Identifiers: MedGen C1861065, MONDO:0013412, OMIM 613765.
Myopathy, myofibrillar, 9, with early respiratory failure (MFM9). Also called: Hereditary myopathy with early respiratory failure; MYOPATHY, PROXIMAL, WITH EARLY RESPIRATORY MUSCLE INVOLVEMENT; EDSTROM MYOPATHY; Myopathy, distal, with early respiratory failure, autosomal dominant. Identifiers: Orphanet 178464, Orphanet 34521, MedGen C1863599, MONDO:0011362, OMIM 603689.
Tibial muscular dystrophy (TMD). Also called: Udd Distal Myopathy – Tibial Muscular Dystrophy; UDD MYOPATHY; Tibial muscular dystrophy, tardive. Identifiers: Orphanet 609, MedGen C1838244, MONDO:0010870, OMIM 600334.
Early-onset myopathy with fatal cardiomyopathy (CMYO5). Also called: Salih Myopathy; CONGENITAL MYOPATHY 5 WITH CARDIOMYOPATHY. Identifiers: Orphanet 289377, MedGen C2673677, MONDO:0012714, OMIM 611705. Disease mechanism: loss of function.

Allele frequency attached by ClinVar (database versions not stated): ExAC below 0.00001; gnomAD exomes 0.00002 and 0.00010; gnomAD 0.00013 and 0.00014; 1000 Genomes Project 30x 0.00016; 1000 Genomes Project 0.00020; TOPMed 0.00025.
gnomAD v4.1: 46 of 1,329,456 alleles (0.0035%); highest among the groups gnomAD compares: African/African-American, 0.053%; no homozygotes.

Submissions (5):

PreventionGenetics, part of Exact Sciences
Classification: Uncertain significance for TTN-related condition. Last evaluated: 2026-02-03. Review status: criteria provided, single submitter. Criteria: ACMG Guidelines, 2015. Collection method: clinical testing. Allele origin: germline.
Comment: The TTN c.35924C>A variant is predicted to result in the amino acid substitution p.Ala11975Asp. To our knowledge, this variant has not been reported in the literature. This variant is reported in 0.051% of alleles in individuals of African descent in gnomAD. Although we suspect that this variant could be benign, at this time, the clinical significance of this variant is uncertain due to the absence of conclusive functional and genetic evidence.

Molecular Diagnostic Laboratory for Inherited Cardiovascular Disease, Montreal Heart Institute
Classification: Likely benign. Last evaluated: 2025-04-09. Review status: criteria provided, single submitter. Criteria: ACMG Guidelines, 2015. Collection method: clinical testing. Allele origin: germline. Affected: no.

Blueprint Genetics
Classification: Likely benign. Last evaluated: 2022-04-08. Review status: criteria provided, single submitter. Criteria: ACMG Guidelines, 2015. Collection method: clinical testing. Allele origin: germline.

Fulgent Genetics
Classification: Uncertain significance for Tibial muscular dystrophy; Myopathy, myofibrillar, 9, with early respiratory failure; Dilated cardiomyopathy 1G; Autosomal recessive limb-girdle muscular dystrophy type 2J; Early-onset myopathy with fatal cardiomyopathy; Hypertrophic cardiomyopathy 9. Last evaluated: 2021-09-16. Review status: criteria provided, single submitter. Criteria: ACMG Guidelines, 2015. Collection method: clinical testing. Allele origin: unknown.

Labcorp Genetics (formerly Invitae), Labcorp
Classification: Uncertain significance for Dilated cardiomyopathy 1G; Autosomal recessive limb-girdle muscular dystrophy type 2J. Last evaluated: 2017-05-31. Review status: criteria provided, single submitter. Criteria: Invitae Variant Classification Sherloc (09022015). Collection method: clinical testing. Allele origin: germline.

NM_001267550.2(TTN):c.35924C>A (p.Ala11975Asp)

Gene: TTN (titin; minus strand). Cytogenetic location: 2q31.2.
Variant type: single nucleotide variant.
Coding change: c.35924C>A on transcript NM_001267550.2 (MANE Select); coding-DNA position 35924, C replaced by A.
Protein change: p.Ala11975Asp; replaces alanine 11975 with aspartic acid.
Molecular consequence: missense variant. On other transcripts: intron variant (5).
Genome position (GRCh38, 1-based): chr2:178,665,743, G>T on the plus strand (C>A on the coding strand, the complement: TTN is on the minus strand). VCF-style: chr2-178665743-G-T. GRCh37 (hg19) VCF-style: chr2-179530470-G-T.
Other names: c.13283-23426C>A (NM_003319.4); c.13859-23426C>A (NM_133437.4); c.13658-23426C>A (NM_133432.3); c.31484-2688C>A (NM_133378.4); c.34265-2688C>A (NM_001256850.1); short protein forms A11975D.
Identifiers: ClinVar variation 467058 (VCV000467058.7), dbSNP rs182102510, ClinGen allele CA1997710.
Genomic context (GRCh38, chr2:178,665,743, plus strand): 5'-GAAGGAATGGCAGGATGAACGATACCTTTAGTGGGAGGTATTTCAATTTCAAGGGGAGCA[G>T]CCATGGGTGTTTCCTTTACAGGGACAATTTCTCGAGGTGATTCAGGCACTTTAAAGATAT-3'
Protein context (NP_001254479.2, residues 11965-11985): EIVPVKETPM[Ala11975Asp]APLEIEIPPT